The following is an entry in ClinVar:

NM_001283009.2(RTEL1):c.191G>A (p.Arg64Gln)

Genes: RTEL1 (regulator of telomere elongation helicase 1; plus strand), RTEL1-TNFRSF6B (RTEL1-TNFRSF6B readthrough (NMD candidate); plus strand). Cytogenetic location: 20q13.33.
Variant type: single nucleotide variant.
Coding change: c.191G>A on transcript NM_001283009.2 (MANE Select); coding-DNA position 191, G replaced by A.
Protein change: p.Arg64Gln; replaces arginine 64 with glutamine.
Molecular consequence: missense variant. On other transcripts: non-coding transcript variant (1), 5 prime UTR variant (1).
Genome position (GRCh38, 1-based): chr20:63,661,386, G>A. VCF-style: chr20-63661386-G-A. GRCh37 (hg19) VCF-style: chr20-62292739-G-A.
Other names: c.-479G>A (NM_001283010.1); c.191G>A, p.Arg64Gln (NM_016434.4, NM_032957.5); short protein forms R64Q.
Identifiers: ClinVar variation 1337308 (VCV001337308.8), dbSNP rs146544609, ClinGen allele CA9964134.
Genomic context (GRCh38, chr20:63,661,386, plus strand): 5'-CGGGTACAGGGAAGACGCTGTGCCTGCTGTGCACCACGCTGGCCTGGCGAGAACACCTCC[G>A]AGACGGCATCTCTGCCCGCAAGATTGCCGAGAGGGCGCAAGGAGAGCTTTTCCCGGATCG-3'
Protein context (NP_001269938.1, residues 54-74): CTTLAWREHL[Arg64Gln]DGISARKIAE

ClinVar aggregate classification (germline): Uncertain significance. Review status: criteria provided, multiple submitters, no conflicts (2 of 4 stars). 4 submissions from 4 submitters: Uncertain significance (4). Last evaluated 2025-12-21.

Conditions:
Pulmonary fibrosis and/or bone marrow failure, Telomere-related, 3. Also called: PULMONARY FIBROSIS AND/OR BONE MARROW FAILURE SYNDROME, TELOMERE-RELATED, 3. Identifiers: Orphanet 2032, MedGen C4225346, MONDO:0014613, OMIM 616373.
Dyskeratosis congenita, autosomal recessive 5 (DKCB5). Identifiers: MedGen C3554656, MONDO:0014076, OMIM 615190.
Inborn genetic diseases. Identifiers: MedGen C0950123, MeSH D030342.

Allele frequency attached by ClinVar (database versions not stated): gnomAD 0.00001; ExAC 0.00002; gnomAD exomes 0.00001 and 0.00002; TOPMed 0.00001; ESP Exome Variant Server 0.00008.
gnomAD v4.1: 18 of 1,613,766 alleles (0.0011%); highest among the groups gnomAD compares: Middle Eastern, 0.017%; no homozygotes.

Submissions (4):

Labcorp Genetics (formerly Invitae), Labcorp
Classification: Uncertain significance for Dyskeratosis congenita, autosomal recessive 5; Pulmonary fibrosis and/or bone marrow failure, Telomere-related, 3. Last evaluated: 2025-12-21. Review status: criteria provided, single submitter. Criteria: Invitae Variant Classification Sherloc (09022015). Collection method: clinical testing. Allele origin: germline.
Comment: This sequence change replaces arginine, which is basic and polar, with glutamine, which is neutral and polar, at codon 64 of the RTEL1 protein (p.Arg64Gln). The frequency data for this variant in the population databases is considered unreliable, as metrics indicate poor data quality at this position in the gnomAD database. This variant has not been reported in the literature in individuals affected with RTEL1-related conditions. ClinVar contains an entry for this variant (Variation ID: 1337308). An algorithm developed to predict the effect of missense changes on protein structure and function (PolyPhen-2) suggests that this variant is likely to be disruptive. In summary, the available evidence is currently insufficient to determine the role of this variant in disease. Therefore, it has been classified as a Variant of Uncertain Significance.

Ambry Genetics
Classification: Uncertain significance for Inborn genetic diseases. Last evaluated: 2024-12-15. Review status: criteria provided, single submitter. Criteria: Ambry Variant Classification Scheme 2023. Collection method: clinical testing. Allele origin: germline.
Comment: The p.R64Q variant (also known as c.191G>A), located in coding exon 2 of the RTEL1 gene, results from a G to A substitution at nucleotide position 191. The arginine at codon 64 is replaced by glutamine, an amino acid with highly similar properties. This amino acid position is conserved. In addition, this alteration is predicted to be tolerated by in silico analysis. Based on the available evidence, the clinical significance of this variant remains unclear.

Department of Pathology and Laboratory Medicine, Sinai Health System
Classification: Uncertain significance for Dyskeratosis congenita, autosomal recessive 5; Pulmonary fibrosis and/or bone marrow failure, Telomere-related, 3. Last evaluated: 2023-03-28. Review status: criteria provided, single submitter. Criteria: ACMG Guidelines, 2015. Collection method: research. Allele origin: germline.

Genetic Services Laboratory, University of Chicago
Classification: Uncertain significance. Last evaluated: 2019-08-02. Review status: criteria provided, single submitter. Criteria: ACMG Guidelines, 2015. Collection method: clinical testing. Allele origin: germline. Affected: no.